The following is an entry in ClinVar:

NM_001854.4(COL11A1):c.3109G>A (p.Ala1037Thr)

Gene: COL11A1 (collagen type XI alpha 1 chain; minus strand). Cytogenetic location: 1p21.1.
Variant type: single nucleotide variant.
Coding change: c.3109G>A on transcript NM_001854.4 (MANE Select); coding-DNA position 3109, G replaced by A.
Protein change: p.Ala1037Thr; replaces alanine 1037 with threonine.
Molecular consequence: missense variant. On other transcripts: non-coding transcript variant (1).
Genome position (GRCh38, 1-based): chr1:102,962,181, C>T on the plus strand (G>A on the coding strand, the complement: COL11A1 is on the minus strand). VCF-style: chr1-102962181-C-T. GRCh37 (hg19) VCF-style: chr1-103427737-C-T.
Other names: c.3109G>A (NM_001854.3); c.2761G>A, p.Ala921Thr (NM_001168249.1, NM_080630.4); c.2992G>A, p.Ala998Thr (NM_001190709.2); c.3145G>A, p.Ala1049Thr (NM_080629.3); short protein forms A921T, A998T, A1037T, A1049T.
Identifiers: ClinVar variation 2962299 (VCV002962299.4), dbSNP rs951756351, ClinGen allele CA27693555.

ClinVar aggregate classification (germline): Conflicting classifications of pathogenicity. Review status: criteria provided, conflicting classifications (1 of 4 stars). 2 submissions from 2 submitters: Uncertain significance (1); Benign (1). Last evaluated 2026-07-31.

Conditions:
COL11A1-related disorder. Also called: COL11A1-related condition; COL11A1-related disorders.

Allele frequency attached by ClinVar (database versions not stated): gnomAD exomes below 0.00001; TOPMed 0.00002; gnomAD 0.00003.
gnomAD v4.1: 6 of 1,610,914 alleles (0.00037%); highest among the groups gnomAD compares: African/African-American, 0.008%; no homozygotes.

Submissions (2):

PreventionGenetics, part of Exact Sciences
Classification: Uncertain significance for COL11A1-related condition. Last evaluated: 2026-07-31. Review status: criteria provided, single submitter. Criteria: ACMG Guidelines, 2015. Collection method: clinical testing. Allele origin: germline.
Comment: The COL11A1 c.3109G>A variant is predicted to result in the amino acid substitution p.Ala1037Thr. To our knowledge, this variant has not been reported in the literature. This variant is reported in 0.011% of alleles in individuals of African descent in gnomAD. At this time, the clinical significance of this variant is uncertain due to the absence of conclusive functional and genetic evidence.

Labcorp Genetics (formerly Invitae), Labcorp
Classification: Benign. Last evaluated: 2025-05-26. Review status: criteria provided, single submitter. Criteria: Invitae Variant Classification Sherloc (09022015). Collection method: clinical testing. Allele origin: germline.